The following is an entry in ClinVar:

NM_001270508.2(TNFAIP3):c.1316G>A (p.Arg439Gln)

Gene: TNFAIP3 (TNF alpha induced protein 3; plus strand). Cytogenetic location: 6q23.3.
Variant type: single nucleotide variant.
Coding change: c.1316G>A on transcript NM_001270508.2 (MANE Select); coding-DNA position 1316, G replaced by A.
Protein change: p.Arg439Gln; replaces arginine 439 with glutamine.
Molecular consequence: missense variant.
Genome position (GRCh38, 1-based): chr6:137,878,761, G>A. VCF-style: chr6-137878761-G-A. GRCh37 (hg19) VCF-style: chr6-138199898-G-A.
Other names: c.1316G>A, p.Arg439Gln (NM_001270507.2, NM_006290.4); short protein forms R439Q.
Identifiers: ClinVar variation 1981567 (VCV001981567.3), dbSNP rs755138189, ClinGen allele CA4019614.

ClinVar aggregate classification (germline): Uncertain significance. Review status: criteria provided, multiple submitters, no conflicts (2 of 4 stars). 2 submissions from 2 submitters: Uncertain significance (2). Last evaluated 2025-08-30.

Conditions:
Autoinflammatory syndrome, familial, Behcet-like 1 (AIFBL1). Also called: Haploinsufficiency of A20. Identifiers: Orphanet 674762, MedGen C4225218, MONDO:0800045, OMIM 616744.

gnomAD v4.1: 10 of 1,613,928 alleles (0.00062%); highest among the groups gnomAD compares: Admixed American, 0.0017%; no homozygotes.

Submissions (2):

Labcorp Genetics (formerly Invitae), Labcorp
Classification: Uncertain significance. Last evaluated: 2025-08-30. Review status: criteria provided, single submitter. Criteria: Invitae Variant Classification Sherloc (09022015). Collection method: clinical testing. Allele origin: germline.
Comment: This sequence change replaces arginine, which is basic and polar, with glutamine, which is neutral and polar, at codon 439 of the TNFAIP3 protein (p.Arg439Gln). This variant is present in population databases (rs755138189, gnomAD 0.004%). This variant has not been reported in the literature in individuals affected with TNFAIP3-related conditions. ClinVar contains an entry for this variant (Variation ID: 1981567). Invitae Evidence Modeling of protein sequence and biophysical properties (such as structural, functional, and spatial information, amino acid conservation, physicochemical variation, residue mobility, and thermodynamic stability) indicates that this missense variant is not expected to disrupt TNFAIP3 protein function with a negative predictive value of 80%. In summary, the available evidence is currently insufficient to determine the role of this variant in disease. Therefore, it has been classified as a Variant of Uncertain Significance.

Laboratorio de Genetica e Diagnostico Molecular, Hospital Israelita Albert Einstein
Classification: Uncertain significance for Autoinflammatory syndrome, familial, Behcet-like 1. Last evaluated: 2024-06-24. Review status: criteria provided, single submitter. Criteria: ACMG Guidelines, 2015. Collection method: clinical testing. Allele origin: germline. Affected: yes.
Comment: ACMG classification criteria: PM2 supporting, BP4 supporting